The following is an entry in ClinVar:

NM_025137.4(SPG11):c.5443C>T (p.Gln1815Ter)

Gene: SPG11 (SPG11 vesicle trafficking associated, spatacsin; minus strand). Cytogenetic location: 15q21.1.
Variant type: single nucleotide variant.
Coding change: c.5443C>T on transcript NM_025137.4 (MANE Select); coding-DNA position 5443, C replaced by T.
Protein change: p.Gln1815Ter; replaces glutamine 1815 with a stop codon.
Molecular consequence: nonsense.
Genome position (GRCh38, 1-based): chr15:44,584,237, G>A on the plus strand (C>T on the coding strand, the complement: SPG11 is on the minus strand). VCF-style: chr15-44584237-G-A. GRCh37 (hg19) VCF-style: chr15-44876435-G-A.
Other names: c.5443C>T, p.Gln1815Ter (NM_001160227.2); c.5299C>T, p.Gln1767Ter (NM_001411132.1); short protein forms Q1767*, Q1815*.
Identifiers: ClinVar variation 2808843 (VCV002808843.3), dbSNP rs146098780, ClinGen allele CA392222533.

ClinVar aggregate classification (germline): Pathogenic (1 of 4 stars; one submission).

Conditions:
Hereditary spastic paraplegia 11. Also called: Nakamura Osame syndrome; Autosomal recessive hereditary spastic paraplegia, mental impairment, and thin corpus callosum; SPASTIC PARAPLEGIA, AUTOSOMAL RECESSIVE, COMPLICATED, WITH THIN CORPUS CALLOSUM; SPASTIC PARAPLEGIA, AUTOSOMAL RECESSIVE, WITH MENTAL IMPAIRMENT AND THIN CORPUS CALLOSUM; Spastic Paraplegia 11; Spastic paraplegia, mental retardation and thin corpus callosum. Identifiers: Orphanet 2822, MedGen C1858479, MONDO:0011445, OMIM 604360.

Submission:

Labcorp Genetics (formerly Invitae), Labcorp
Classification: Pathogenic for Hereditary spastic paraplegia 11. Last evaluated: 2023-06-07. Review status: criteria provided, single submitter. Criteria: Invitae Variant Classification Sherloc (09022015). Collection method: clinical testing. Allele origin: germline.
Comment: For these reasons, this variant has been classified as Pathogenic. This variant has not been reported in the literature in individuals affected with SPG11-related conditions. This variant is not present in population databases (gnomAD no frequency). This sequence change creates a premature translational stop signal (p.Gln1815*) in the SPG11 gene. It is expected to result in an absent or disrupted protein product. Loss-of-function variants in SPG11 are known to be pathogenic (PMID: 19105190, 20110243, 22154821, 26556829).

Literature cited by the submitters: PubMed 19105190; PubMed 20110243; PubMed 22154821; PubMed 26556829.